The following is an entry in ClinVar:

ClinVar aggregate classification (germline): Benign. Review status: criteria provided, single submitter (1 of 4 stars). 2 submissions from 2 submitters: Benign (1). 1 of the submissions does not count toward it. Last evaluated 2017-10-19.

Conditions:
DNAH10-related disorder. Also called: DNAH10-related condition.

Allele frequency attached by ClinVar (database versions not stated): TOPMed 0.00133; gnomAD 0.00134 and 0.00148; ExAC 0.00064; ESP Exome Variant Server 0.00100; gnomAD exomes 0.00012 and 0.00028; 1000 Genomes Project 0.00060; 1000 Genomes Project 30x 0.00062.
gnomAD v4.1: 382 of 1,605,298 alleles (0.024%); highest among the groups gnomAD compares: African/African-American, 0.47%; no homozygotes.

Submissions (2):

Labcorp Genetics (formerly Invitae), Labcorp
Classification: Benign. Last evaluated: 2017-10-19. Review status: criteria provided, single submitter. Criteria: Invitae Variant Classification Sherloc (09022015). Collection method: clinical testing. Allele origin: germline.

PreventionGenetics, part of Exact Sciences
Classification: Likely benign for DNAH10-related condition. Last evaluated: 2019-08-09. Review status: no assertion criteria provided. Collection method: clinical testing. Allele origin: germline. Not counted in ClinVar's aggregate classification.
Comment: This variant is classified as likely benign based on ACMG/AMP sequence variant interpretation guidelines (Richards et al. 2015 PMID: 25741868, with internal and published modifications).

NM_001372106.1(DNAH10):c.12132G>A (p.Ala4044=)

Genes: DNAH10 (dynein axonemal heavy chain 10; plus strand), DNAH10OS (dynein axonemal heavy chain 10 opposite strand; minus strand). Cytogenetic location: 12q24.31.
Variant type: single nucleotide variant.
Coding change: c.12132G>A on transcript NM_001372106.1 (MANE Select); coding-DNA position 12132, G replaced by A.
Protein change: p.Ala4044=; no amino-acid change (alanine 4044 retained).
Molecular consequence: synonymous variant.
Genome position (GRCh38, 1-based): chr12:123,928,413, G>A. VCF-style: chr12-123928413-G-A. GRCh37 (hg19) VCF-style: chr12-124412960-G-A.
Other names: c.11778G>A, p.Ala3926= (NM_207437.3).
Identifiers: ClinVar variation 712127 (VCV000712127.5), dbSNP rs373544049, ClinGen allele CA6865852.